The following is an entry in ClinVar:

ClinVar aggregate classification (germline): Uncertain significance. Review status: criteria provided, multiple submitters, no conflicts (2 of 4 stars). 2 submissions from 2 submitters: Uncertain significance (2). Last evaluated 2024-03-06.

Conditions:
Familial melanoma. Also called: Hereditary melanoma; Hereditary cutaneous melanoma. Identifiers: Orphanet 618, MedGen C1512419, MONDO:0018961.
Hereditary cancer-predisposing syndrome. Also called: Neoplastic Syndromes, Hereditary; Tumor predisposition; Hereditary Cancer Syndrome; Hereditary neoplastic syndrome. Identifiers: Orphanet 140162, MedGen C0027672, MeSH D009386, MONDO:0015356.

Allele frequency attached by ClinVar (database versions not stated): gnomAD exomes below 0.00001; TOPMed below 0.00001.
gnomAD v4.1: 1 of 1,591,574 alleles (0.000063%); no homozygotes.

Submissions (2):

Ambry Genetics
Classification: Uncertain significance for Hereditary cancer-predisposing syndrome. Last evaluated: 2024-03-06. Review status: criteria provided, single submitter. Criteria: Ambry Variant Classification Scheme 2023. Collection method: clinical testing. Allele origin: germline.
Comment: The p.A73T variant (also known as c.217G>A), located in coding exon 2 of the CDKN2A gene, results from a G to A substitution at nucleotide position 217. The alanine at codon 73 is replaced by threonine, an amino acid with similar properties. This alteration demonstrated cell cycle arrest similar to wild type in in vitro functional assays (Arap W et al. Oncogene, 1997 Feb;14:603-9). This amino acid position is not well conserved in available vertebrate species. In addition, the in silico prediction for this alteration is inconclusive. Based on the available evidence, the clinical significance of this alteration remains unclear.

Labcorp Genetics (formerly Invitae), Labcorp
Classification: Uncertain significance for Familial melanoma. Last evaluated: 2022-10-18. Review status: criteria provided, single submitter. Criteria: Invitae Variant Classification Sherloc (09022015). Collection method: clinical testing. Allele origin: germline.
Comment: This variant is also known as c.260G>A (p.Arg87His) in CDKN2A (p14ARF) transcript. In summary, the available evidence is currently insufficient to determine the role of this variant in disease. Therefore, it has been classified as a Variant of Uncertain Significance. Experimental studies have shown that this missense change does not substantially affect CDKN2A (p16INK4a) function (PMID: 9053859). Algorithms developed to predict the effect of missense changes on protein structure and function (SIFT, PolyPhen-2, Align-GVGD) all suggest that this variant is likely to be tolerated. This variant has not been reported in the literature in individuals affected with CDKN2A (p16INK4a)-related conditions. This variant is not present in population databases (gnomAD no frequency). This sequence change replaces alanine, which is neutral and non-polar, with threonine, which is neutral and polar, at codon 73 of the CDKN2A (p16INK4a) protein (p.Ala73Thr). The CDKN2A gene encodes two different proteins, p16INK4a and p14ARF, which are translated from alternative transcripts with different open reading frames. Both transcripts have been analyzed. We report either the variant with the higher classification or default to the CDKN2A (p16INK4a) variant. This report therefore includes the details for the CDKN2A (p16INK4a) variant.

Literature cited by the submitters: PubMed 9053859 (cited by Ambry Genetics and Labcorp Genetics (formerly Invitae), Labcorp).

NM_000077.5(CDKN2A):c.217G>A (p.Ala73Thr)

Gene: CDKN2A (cyclin dependent kinase inhibitor 2A; minus strand). Cytogenetic location: 9p21.3.
Variant type: single nucleotide variant.
Coding change: c.217G>A on transcript NM_000077.5; coding-DNA position 217, G replaced by A.
Protein change: p.Ala73Thr; replaces alanine 73 with threonine.
Molecular consequence: missense variant (on NM_000077.6). On other transcripts: 3 prime UTR variant (1).
Genome position (GRCh38, 1-based): chr9:21,971,142, C>T on the plus strand (G>A on the coding strand, the complement: CDKN2A is on the minus strand). VCF-style: chr9-21971142-C-T. GRCh37 (hg19) VCF-style: chr9-21971141-C-T.
Other names: c.217G>A, p.Ala73Thr (NM_000077.6, NM_001195132.2); c.64G>A, p.Ala22Thr (NM_001363763.2); c.260G>A, p.Arg87His (NM_058195.4); c.*140G>A (NM_058197.5); short protein forms A73T, A22T, R87H.
Identifiers: ClinVar variation 1986070 (VCV001986070.5), dbSNP rs759763964, ClinGen allele CA373086306.